The following is an entry in ClinVar:

ClinVar aggregate classification (germline): Uncertain significance (1 of 4 stars; one submission).

Conditions:
Inborn genetic diseases. Identifiers: MedGen C0950123, MeSH D030342.

Allele frequency attached by ClinVar (database versions not stated): gnomAD exomes below 0.00001; ExAC 0.00001.
gnomAD v4.1: 1 of 1,613,672 alleles (0.000062%); highest among the groups gnomAD compares: Non-Finnish European, 0.000085%; no homozygotes.

Submission:

Ambry Genetics
Classification: Uncertain significance for Inborn genetic diseases. Last evaluated: 2023-12-11. Review status: criteria provided, single submitter. Criteria: Ambry Variant Classification Scheme 2023. Collection method: clinical testing. Allele origin: germline.
Comment: The p.D286E variant (also known as c.858C>A), located in coding exon 4 of the ATR gene, results from a C to A substitution at nucleotide position 858. The aspartic acid at codon 286 is replaced by glutamic acid, an amino acid with highly similar properties. This amino acid position is conserved. In addition, this alteration is predicted to be tolerated by in silico analysis. Since supporting evidence is limited at this time, the clinical significance of this alteration remains unclear.

NM_001184.4(ATR):c.858C>A (p.Asp286Glu)

Gene: ATR (ATR checkpoint kinase; minus strand). Cytogenetic location: 3q23.
Variant type: single nucleotide variant.
Coding change: c.858C>A on transcript NM_001184.4 (MANE Select); coding-DNA position 858, C replaced by A.
Protein change: p.Asp286Glu; replaces aspartic acid 286 with glutamic acid.
Molecular consequence: missense variant.
Genome position (GRCh38, 1-based): chr3:142,562,544, G>T on the plus strand (C>A on the coding strand, the complement: ATR is on the minus strand). VCF-style: chr3-142562544-G-T. GRCh37 (hg19) VCF-style: chr3-142281386-G-T.
Other names: c.858C>A, p.Asp286Glu (NM_001354579.2); short protein forms D286E.
Identifiers: ClinVar variation 3221306 (VCV003221306.1), dbSNP rs770990791, ClinGen allele CA2650716.